The following is an entry in ClinVar:

ClinVar aggregate classification (germline): Uncertain significance (1 of 4 stars; one submission).

Conditions:
Susceptibility to respiratory infections associated with CD8alpha chain mutation (IMD116). Also called: Cd8 deficiency, familial; IMMUNODEFICIENCY 116. Identifiers: Orphanet 169085, MedGen C1837065, MONDO:0012161, OMIM 608957.

Submission:

Labcorp Genetics (formerly Invitae), Labcorp
Classification: Uncertain significance for Susceptibility to respiratory infections associated with CD8alpha chain mutation. Last evaluated: 2019-08-26. Review status: criteria provided, single submitter. Criteria: Invitae Variant Classification Sherloc (09022015). Collection method: clinical testing. Allele origin: germline.
Comment: Algorithms developed to predict the effect of missense changes on protein structure and function are either unavailable or do not agree on the potential impact of this missense change (SIFT: "Deleterious"; PolyPhen-2: "Possibly Damaging"; Align-GVGD: "Class C15"). In summary, the available evidence is currently insufficient to determine the role of this variant in disease. Therefore, it has been classified as a Variant of Uncertain Significance. This variant has not been reported in the literature in individuals with CD8A-related conditions. This sequence change replaces aspartic acid with phenylalanine at codon 96 of the CD8A protein (p.Asp96Phe). The aspartic acid residue is moderately conserved and there is a large physicochemical difference between aspartic acid and phenylalanine. This variant is not present in population databases (ExAC no frequency).

NM_001768.7(CD8A):c.286_287delinsTT (p.Asp96Phe)

Gene: CD8A (CD8 subunit alpha; minus strand). Cytogenetic location: 2p11.2.
Variant type: Indel.
Coding change: c.286_287delinsTT on transcript NM_001768.7 (MANE Select); coding-DNA positions 286 to 287, GA replaced by TT.
Protein change: p.Asp96Phe; replaces aspartic acid 96 with phenylalanine.
Molecular consequence: missense variant. On other transcripts: non-coding transcript variant (3).
Genome position (GRCh38, 1-based): chr2:86,790,444-86,790,445, TC replaced by AA on the plus strand (GA replaced by TT on the coding strand, the reverse complement: CD8A is on the minus strand). VCF-style: chr2-86790444-TC-AA. GRCh37 (hg19) VCF-style: chr2-87017567-TC-AA.
Other names: c.286_287delinsTT, p.Asp96Phe (NM_001145873.1, NM_001382698.1, NM_171827.4); short protein forms D96F.
Identifiers: ClinVar variation 963989 (VCV000963989.8), dbSNP rs1673232344, ClinGen allele CA1139657145.